The following is an entry in ClinVar:

ClinVar aggregate classification (germline): Likely benign (1 of 4 stars; one submission).

Submission:

CeGaT Center for Human Genetics Tuebingen
Classification: Likely benign. Last evaluated: 2022-09-01. Review status: criteria provided, single submitter. Criteria: CeGaT Center For Human Genetics Tuebingen Variant Classification Criteria Version 2. Collection method: clinical testing. Allele origin: germline. Affected: yes. Observed: 1 variant allele.
Comment: ZBTB18: PM2:Supporting, BP4, BP7

NM_205768.3(ZBTB18):c.1326G>C (p.Ser442=)

Gene: ZBTB18 (zinc finger and BTB domain containing 18; plus strand). Cytogenetic location: 1q44.
Variant type: single nucleotide variant.
Coding change: c.1326G>C on transcript NM_205768.3 (MANE Select); coding-DNA position 1326, G replaced by C.
Protein change: p.Ser442=; no amino-acid change (serine 442 retained).
Molecular consequence: synonymous variant. On other transcripts: 3 prime UTR variant (1).
Genome position (GRCh38, 1-based): chr1:244,055,100, G>C. VCF-style: chr1-244055100-G-C. GRCh37 (hg19) VCF-style: chr1-244218402-G-C.
Other names: c.1299G>C, p.Ser433= (NM_001278196.2, NM_006352.5); c.*503G>C (NM_001421566.1).
Identifiers: ClinVar variation 2640220 (VCV002640220.24), dbSNP rs35108413, ClinGen allele CA424410659.
Genomic context (GRCh38, chr1:244,055,100, plus strand): 5'-GCTGTGTGGGAAGACTTTCTCTTGCATGTACACCCTCAAGCGCCACGAGAGGACTCACTC[G>C]GGGGAGAAGCCCTACACATGCACCCAGTGCGGCAAGAGCTTCCAGTACTCGCACAACCTG-3'
Protein context (NP_991331.1, residues 432-452): YTLKRHERTH[Ser442=]GEKPYTCTQC